The following is an entry in ClinVar:

ClinVar aggregate classification (germline): Likely pathogenic (1 of 4 stars; one submission).

Conditions:
SCP2-related disorder. Also called: SCP2-related condition.

Submission:

PreventionGenetics, part of Exact Sciences
Classification: Likely pathogenic for SCP2-related condition. Last evaluated: 2026-01-07. Review status: criteria provided, single submitter. Criteria: ACMG Guidelines, 2015. Collection method: clinical testing. Allele origin: germline.
Comment: The SCP2 c.1009delA variant is predicted to result in a frameshift and premature protein termination (p.Thr337Hisfs*8). To our knowledge, this variant has not been reported in the literature or in a large population database (gnomAD), indicating this variant is rare. Frameshift variants in SCP2 are expected to be pathogenic. This variant is interpreted as likely pathogenic.

NM_002979.5(SCP2):c.1009del (p.Thr337fs)

Gene: SCP2 (sterol carrier protein 2; plus strand). Cytogenetic location: 1p32.3.
Variant type: Deletion.
Coding change: c.1009del on transcript NM_002979.5 (MANE Select); coding-DNA position 1009, one base deleted (A; older notation c.1009delA).
Protein change: p.Thr337fs; shifts the reading frame from threonine 337.
Molecular consequence: frameshift variant.
Genome position (GRCh38, 1-based): chr1:52,988,064, A deleted. VCF-style (leftmost placement, unchanged base first): chr1-52988063-TA-T. GRCh37 (hg19) VCF-style: chr1-53453735-TA-T.
Other names: c.877del, p.Thr293fs (NM_001007098.3, NM_001193600.2); c.937del, p.Thr313fs (NM_001193599.2); c.766del, p.Thr256fs (NM_001193617.2); c.1009del, p.Thr337fs (NM_001330587.2); short protein forms T337fs, T293fs, T313fs, T256fs.
Identifiers: ClinVar variation 4993756 (VCV004993756.1).